The following is an entry in ClinVar:

NM_177438.3(DICER1):c.46C>G (p.Leu16Val)

Gene: DICER1 (dicer 1, ribonuclease III; minus strand). Cytogenetic location: 14q32.13.
Variant type: single nucleotide variant.
Coding change: c.46C>G on transcript NM_177438.3 (MANE Select); coding-DNA position 46, C replaced by G.
Protein change: p.Leu16Val; replaces leucine 16 with valine.
Molecular consequence: missense variant. On other transcripts: 5 prime UTR variant (8), non-coding transcript variant (6), intron variant (1).
Genome position (GRCh38, 1-based): chr14:95,133,413, G>C on the plus strand (C>G on the coding strand, the complement: DICER1 is on the minus strand). VCF-style: chr14-95133413-G-C. GRCh37 (hg19) VCF-style: chr14-95599750-G-C.
Other names: c.46C>G, p.Leu16Val (NM_001195573.1, NM_001271282.3, NM_001291628.2 and 15 more transcripts); c.-229C>G (NM_001395686.1, NM_001395688.1, NM_001395689.1 and 3 more transcripts); c.-413C>G (NM_001395691.1); c.-1523C>G (NM_001395697.1); c.-130-736C>G (NM_001395687.1); short protein forms L16V.
Identifiers: ClinVar variation 1742534 (VCV001742534.2), dbSNP rs2140296315, ClinGen allele CA390890697.
Genomic context (GRCh38, chr14:95,133,413, plus strand): 5'-CTTCTTGTTGCCATGGCAGTCCAAAGAAAGGACCCATTGGTGAGGAAGCAGGGGTCATGA[G>C]CTGCAGGCCTGCCATGCTGAGGGGTTGCAAAGCAGGGCTTTTCATTCATCCAGTGTTTCT-3'
Protein context (NP_803187.1, residues 6-26): LQPLSMAGLQ[Leu16Val]MTPASSPMGP

ClinVar aggregate classification (germline): Uncertain significance (1 of 4 stars; one submission).

Conditions:
Hereditary cancer-predisposing syndrome. Also called: Hereditary Cancer Syndrome; Hereditary neoplastic syndrome; Neoplastic Syndromes, Hereditary; Tumor predisposition. Identifiers: Orphanet 140162, MedGen C0027672, MeSH D009386, MONDO:0015356.

Submission:

Ambry Genetics
Classification: Uncertain significance for Hereditary cancer-predisposing syndrome. Last evaluated: 2020-12-08. Review status: criteria provided, single submitter. Criteria: Ambry Variant Classification Scheme 2023. Collection method: clinical testing. Allele origin: germline.
Comment: The p.L16V variant (also known as c.46C>G), located in coding exon 1 of the DICER1 gene, results from a C to G substitution at nucleotide position 46. The leucine at codon 16 is replaced by valine, an amino acid with highly similar properties. This amino acid position is highly conserved in available vertebrate species. In addition, this alteration is predicted to be tolerated by in silico analysis. Since supporting evidence is limited at this time, the clinical significance of this alteration remains unclear.